The following is an entry in ClinVar:

NM_000553.6(WRN):c.3687G>A (p.Gln1229=)

Gene: WRN (WRN RecQ like helicase; plus strand). Cytogenetic location: 8p12.
Variant type: single nucleotide variant.
Coding change: c.3687G>A on transcript NM_000553.6 (MANE Select); coding-DNA position 3687, G replaced by A.
Protein change: p.Gln1229=; no amino-acid change (glutamine 1229 retained).
Molecular consequence: synonymous variant.
Genome position (GRCh38, 1-based): chr8:31,150,455, G>A. VCF-style: chr8-31150455-G-A. GRCh37 (hg19) VCF-style: chr8-31007971-G-A.
Identifiers: ClinVar variation 2112842 (VCV002112842.4), dbSNP rs2536049971, ClinGen allele CA460224747.

ClinVar aggregate classification (germline): Uncertain significance (1 of 4 stars; one submission).

Conditions:
Werner syndrome (WRN). Identifiers: Orphanet 902, MedGen C0043119, MONDO:0010196, OMIM 277700.

Submission:

Labcorp Genetics (formerly Invitae), Labcorp
Classification: Uncertain significance for Werner syndrome. Last evaluated: 2022-03-23. Review status: criteria provided, single submitter. Criteria: Invitae Variant Classification Sherloc (09022015). Collection method: clinical testing. Allele origin: germline.
Comment: In summary, the available evidence is currently insufficient to determine the role of this variant in disease. Therefore, it has been classified as a Variant of Uncertain Significance. Variants that disrupt the consensus splice site are a relatively common cause of aberrant splicing (PMID: 17576681, 9536098). Algorithms developed to predict the effect of sequence changes on RNA splicing suggest that this variant may disrupt the consensus splice site. This variant has not been reported in the literature in individuals affected with WRN-related conditions. This variant is not present in population databases (gnomAD no frequency). This sequence change affects codon 1229 of the WRN mRNA. It is a 'silent' change, meaning that it does not change the encoded amino acid sequence of the WRN protein. This variant also falls at the last nucleotide of exon 31, which is part of the consensus splice site for this exon.

Literature cited by the submitters: PubMed 17576681; PubMed 9536098.